The following is an entry in ClinVar:

NM_006662.3(SRCAP):c.729C>G (p.Tyr243Ter)

Gene: SRCAP (Snf2 related CREBBP activator protein; plus strand). Cytogenetic location: 16p11.2.
Variant type: single nucleotide variant.
Coding change: c.729C>G on transcript NM_006662.3 (MANE Select); coding-DNA position 729, C replaced by G.
Protein change: p.Tyr243Ter; replaces tyrosine 243 with a stop codon.
Molecular consequence: nonsense.
Genome position (GRCh38, 1-based): chr16:30,709,608, C>G. VCF-style: chr16-30709608-C-G. GRCh37 (hg19) VCF-style: chr16-30720929-C-G.
Other names: short protein forms Y243*.
Identifiers: ClinVar variation 3338504 (VCV003338504.1).
Genomic context (GRCh38, chr16:30,709,608, plus strand): 5'-AAAGCGCAAAAAAGCCCTGGACCTGCATTTGGACTTCATTGTGGGGCAAACTGAAAAGTA[C>G]TCGGACCTTCTGTCTCAGAGCCTCAACCAGCCATTAACCTCCAGCAAAGCAGGCTCTTCC-3'

ClinVar aggregate classification (germline): Likely pathogenic (1 of 4 stars; one submission).

Conditions:
SRCAP-related disorder. Also called: SRCAP-related condition.

Submission:

Greenwood Genetic Center Diagnostic Laboratories, Greenwood Genetic Center
Classification: Likely pathogenic for SRCAP-related disorder. Last evaluated: 2024-05-16. Review status: criteria provided, single submitter. Criteria: ACMG Guidelines, 2015. Collection method: clinical testing. Allele origin: germline. Affected: yes.
Comment: PVS1, PM2